The following is an entry in ClinVar:

NM_016589.4(TIMMDC1):c.414G>A (p.Trp138Ter)

Gene: TIMMDC1 (translocase of inner mitochondrial membrane domain containing 1; plus strand). Cytogenetic location: 3q13.33.
Variant type: single nucleotide variant.
Coding change: c.414G>A on transcript NM_016589.4 (MANE Select); coding-DNA position 414, G replaced by A.
Protein change: p.Trp138Ter; replaces tryptophan 138 with a stop codon.
Molecular consequence: nonsense.
Genome position (GRCh38, 1-based): chr3:119,503,585, G>A. VCF-style: chr3-119503585-G-A. GRCh37 (hg19) VCF-style: chr3-119222432-G-A.
Other names: short protein forms W138*.
Identifiers: ClinVar variation 3391305 (VCV003391305.1).
Genomic context (GRCh38, chr3:119,503,585, plus strand): 5'-ACTTTAGCAATCTGCACATCGTGCTGCCACACGAGGCTTCATTCGTTATGGCTGGCGCTG[G>A]GGTTGGAGAACTGCAGTGTTTGTGACTATATTCAAGTAAGTTCACTCTGAATTGTGAGAT-3'

ClinVar aggregate classification (germline): Likely pathogenic (1 of 4 stars; one submission).

Conditions:
Mitochondrial complex I deficiency, nuclear type 31. Also called: Mitochondrial complex 1 deficiency, nuclear type 31. Identifiers: MedGen C4748838, MONDO:0032634, OMIM 618251.

Submission:

Neuberg Centre For Genomic Medicine, NCGM
Classification: Likely pathogenic for Mitochondrial complex I deficiency, nuclear type 31. Last evaluated: 2023-07-22. Review status: criteria provided, single submitter. Criteria: ACMG Guidelines, 2015. Collection method: clinical testing. Allele origin: germline. Inheritance: Autosomal dominant inheritance. Affected: yes.
Comment: The stop gained variant c.414G>A p.Trp138Ter in the TIMMDC1 gene has not been reported previously as a pathogenic variant nor as a benign variant, to our knowledge. The variant is absent in the gnomAD Exomes. This variant is predicted to cause loss of normal protein function through protein truncation. Loss of function variants has been previously reported to be disease-causing Naber et al., 2021. For these reasons, this variant has been classified as Likely Pathogenic. In the absence of another reportable variant, the molecular diagnosis is not confirmed.